The following is an entry in ClinVar:

NM_003640.5(ELP1):c.546G>A (p.Met182Ile)

Gene: ELP1 (elongator acetyltransferase complex subunit 1; minus strand). Cytogenetic location: 9q31.3.
Variant type: single nucleotide variant.
Coding change: c.546G>A on transcript NM_003640.5 (MANE Select); coding-DNA position 546, G replaced by A.
Protein change: p.Met182Ile; replaces methionine 182 with isoleucine.
Molecular consequence: missense variant. On other transcripts: 5 prime UTR variant (1).
Genome position (GRCh38, 1-based): chr9:108,922,848, C>T on the plus strand (G>A on the coding strand, the complement: ELP1 is on the minus strand). VCF-style: chr9-108922848-C-T. GRCh37 (hg19) VCF-style: chr9-111685128-C-T.
Other names: c.204G>A, p.Met68Ile (NM_001318360.2); c.-314G>A (NM_001330749.2); short protein forms M182I, M68I.
Identifiers: ClinVar variation 1799684 (VCV001799684.2), dbSNP rs1829695331, ClinGen allele CA374389117.

ClinVar aggregate classification (germline): Uncertain significance (1 of 4 stars; one submission).

Allele frequency attached by ClinVar (database versions not stated): gnomAD exomes below 0.00001.

Submission:

Ambry Genetics
Classification: Uncertain significance. Last evaluated: 2020-12-24. Review status: criteria provided, single submitter. Criteria: Ambry Variant Classification Scheme 2023. Collection method: clinical testing. Allele origin: germline.
Comment: The p.M182I variant (also known as c.546G>A), located in coding exon 5 of the IKBKAP gene, results from a G to A substitution at nucleotide position 546. The methionine at codon 182 is replaced by isoleucine, an amino acid with highly similar properties. This amino acid position is poorly conserved in available vertebrate species. In addition, this alteration is predicted to be tolerated by in silico analysis. Since supporting evidence is limited at this time, the clinical significance of this alteration remains unclear.